The following is an entry in ClinVar:

NM_016233.2(PADI3):c.427C>T (p.Pro143Ser)

Gene: PADI3 (peptidyl arginine deiminase 3; plus strand). Cytogenetic location: 1p36.13.
Variant type: single nucleotide variant.
Coding change: c.427C>T on transcript NM_016233.2 (MANE Select); coding-DNA position 427, C replaced by T.
Protein change: p.Pro143Ser; replaces proline 143 with serine.
Molecular consequence: missense variant.
Genome position (GRCh38, 1-based): chr1:17,266,737, C>T. VCF-style: chr1-17266737-C-T. GRCh37 (hg19) VCF-style: chr1-17593232-C-T.
Other names: short protein forms P143S.
Identifiers: ClinVar variation 2638392 (VCV002638392.25), dbSNP rs145809596, ClinGen allele CA639707.

ClinVar aggregate classification (germline): Likely benign. Review status: criteria provided, multiple submitters, no conflicts (2 of 4 stars). 2 submissions from 2 submitters: Likely benign (2). Last evaluated 2024-10-25.

Allele frequency attached by ClinVar (database versions not stated): 1000 Genomes Project 30x 0.00125; 1000 Genomes Project 0.00160; ESP Exome Variant Server 0.00177; gnomAD 0.00197; ExAC 0.00201; gnomAD exomes 0.00245; TOPMed 0.00260.

Submissions (2):

Blueprint Genetics
Classification: Likely benign. Last evaluated: 2024-10-25. Review status: criteria provided, single submitter. Criteria: ACMG Guidelines, 2015. Collection method: clinical testing. Allele origin: germline.

CeGaT Center for Human Genetics Tuebingen
Classification: Likely benign. Last evaluated: 2024-04-01. Review status: criteria provided, single submitter. Criteria: CeGaT Center For Human Genetics Tuebingen Variant Classification Criteria Version 2. Collection method: clinical testing. Allele origin: germline. Affected: yes. Observed: 2 variant alleles.
Comment: PADI3: BP4